The following is an entry in ClinVar:

ClinVar aggregate classification (germline): Uncertain significance (1 of 4 stars; one submission).

Conditions:
Hereditary cancer-predisposing syndrome. Also called: Neoplastic Syndromes, Hereditary; Tumor predisposition; Hereditary Cancer Syndrome; Hereditary neoplastic syndrome. Identifiers: Orphanet 140162, MedGen C0027672, MeSH D009386, MONDO:0015356.

Submission:

Ambry Genetics
Classification: Uncertain significance for Hereditary cancer-predisposing syndrome. Last evaluated: 2026-02-24. Review status: criteria provided, single submitter. Criteria: Ambry Variant Classification Scheme 2023. Collection method: clinical testing. Allele origin: germline.
Comment: The p.N209K variant (also known as c.627T>G), located in coding exon 6 of the NBN gene, results from a T to G substitution at nucleotide position 627. The asparagine at codon 209 is replaced by lysine, an amino acid with similar properties. This amino acid position is conserved. In addition, this alteration is predicted to be tolerated by in silico analysis. Based on the available evidence, the clinical significance of this variant remains unclear.

NM_002485.5(NBN):c.627T>G (p.Asn209Lys)

Gene: NBN (nibrin; minus strand). Cytogenetic location: 8q21.3.
Variant type: single nucleotide variant.
Coding change: c.627T>G on transcript NM_002485.5 (MANE Select); coding-DNA position 627, T replaced by G.
Protein change: p.Asn209Lys; replaces asparagine 209 with lysine.
Molecular consequence: missense variant.
Genome position (GRCh38, 1-based): chr8:89,971,248, A>C on the plus strand (T>G on the coding strand, the complement: NBN is on the minus strand). VCF-style: chr8-89971248-A-C. GRCh37 (hg19) VCF-style: chr8-90983476-A-C.
Other names: c.381T>G, p.Asn127Lys (NM_001024688.3, NM_001440379.1, NM_001440380.1); short protein forms N209K, N127K.
Identifiers: ClinVar variation 4827164 (VCV004827164.1).